The following is an entry in ClinVar:

NM_005215.4(DCC):c.4254T>A (p.Asn1418Lys)

Gene: DCC (DCC netrin 1 receptor; plus strand). Cytogenetic location: 18q21.2.
Variant type: single nucleotide variant.
Coding change: c.4254T>A on transcript NM_005215.4 (MANE Select); coding-DNA position 4254, T replaced by A.
Protein change: p.Asn1418Lys; replaces asparagine 1418 with lysine.
Molecular consequence: missense variant.
Genome position (GRCh38, 1-based): chr18:53,526,759, T>A. VCF-style: chr18-53526759-T-A. GRCh37 (hg19) VCF-style: chr18-51053129-T-A.
Other names: short protein forms N1418K.
Identifiers: ClinVar variation 1804395 (VCV001804395.1), dbSNP rs1598851197, ClinGen allele CA402519102.

ClinVar aggregate classification (germline): Uncertain significance (1 of 4 stars; one submission).

Allele frequency attached by ClinVar (database versions not stated): TOPMed 0.00001.

Submission:

GeneDx
Classification: Uncertain significance. Last evaluated: 2022-06-16. Review status: criteria provided, single submitter. Criteria: GeneDx Variant Classification Process June 2021. Collection method: clinical testing. Allele origin: germline. Affected: yes.
Comment: Not observed at significant frequency in large population cohorts (gnomAD); In silico analysis supports that this missense variant does not alter protein structure/function; Has not been previously published as pathogenic or benign to our knowledge